The following is an entry in ClinVar:

ClinVar aggregate classification (germline): Uncertain significance (1 of 4 stars; one submission).

Conditions:
Inborn genetic diseases. Identifiers: MedGen C0950123, MeSH D030342.

Submission:

Ambry Genetics
Classification: Uncertain significance for Inborn genetic diseases. Last evaluated: 2023-07-24. Review status: criteria provided, single submitter. Criteria: Ambry Variant Classification Scheme 2023. Collection method: clinical testing. Allele origin: germline.
Comment: The c.3092A>T (p.Y1031F) alteration is located in exon 23 (coding exon 23) of the L1CAM gene. This alteration results from an A to T substitution at nucleotide position 3092, causing the tyrosine (Y) at amino acid position 1031 to be replaced by a phenylalanine (F). This variant was not reported in population-based cohorts in the Genome Aggregation Database (gnomAD). This amino acid position is well conserved in available mammalian species. This alteration is predicted to be tolerated by in silico analysis. Based on insufficient or conflicting evidence, the clinical significance of this alteration remains unclear.

NM_001278116.2(L1CAM):c.3092A>T (p.Tyr1031Phe)

Gene: L1CAM (L1 cell adhesion molecule; minus strand). Cytogenetic location: Xq28.
Variant type: single nucleotide variant.
Coding change: c.3092A>T on transcript NM_001278116.2 (MANE Select); coding-DNA position 3092, A replaced by T.
Protein change: p.Tyr1031Phe; replaces tyrosine 1031 with phenylalanine.
Molecular consequence: missense variant.
Genome position (GRCh38, 1-based): chrX:153,864,659, T>A on the plus strand (A>T on the coding strand, the complement: L1CAM is on the minus strand). VCF-style: chrX-153864659-T-A. GRCh37 (hg19) VCF-style: chrX-153130114-T-A.
Other names: c.3092A>T, p.Tyr1031Phe (NM_000425.5, NM_024003.3); c.3077A>T, p.Tyr1026Phe (NM_001143963.2); short protein forms Y1026F, Y1031F.
Identifiers: ClinVar variation 2609889 (VCV002609889.2), dbSNP rs2520967731, ClinGen allele CA415113246.
Genomic context (GRCh38, chrX:153,864,659, plus strand): 5'-AACAAGATATGGAACCTGAAGTTGCACTGGCCCTCCTTGGGGACCCAGGAGACGACACTG[T>A]AGTTTTCACCCGCTGTGGCTGAGATGTTGCCAAAATCTGAGATCCCTGGGGGGATGCAGG-3'
Protein context (NP_001265045.1, residues 1021-1041): GNISATAGEN[Tyr1031Phe]SVVSWVPKEG